The following is an entry in ClinVar:

ClinVar aggregate classification (germline): Likely pathogenic (1 of 4 stars; one submission).

Conditions:
Congenital hyperammonemia, type I. Also called: Carbamoyl phosphate synthetase 1 deficiency; Hyperammonemia due to carbamoyl phosphate synthetase 1 deficiency; CPS 1 deficiency; Carbamyl phosphate synthetase (CPS) deficiency; CPS I DEFICIENCY; Carbamoyl-phosphate synthase I deficiency. Identifiers: Orphanet 147, MedGen C4082171, MONDO:0009376, OMIM 237300.

Submission:

Myriad Genetics, Inc.
Classification: Likely pathogenic for Congenital hyperammonemia, type I. Last evaluated: 2022-02-21. Review status: criteria provided, single submitter. Criteria: Myriad Women's Health Autosomal Recessive and X-Linked Classification Criteria (2021). Collection method: clinical testing. Allele origin: unknown.
Comment: NM_001875.4(CPS1):c.1453delC(L485Ffs*20) is expected to be pathogenic in the context of carbamoylphosphate synthetase I deficiency. This variant is predicted to lead to an abnormal or absent protein product due to the creation of a premature termination codon in CPS1, a gene where loss-of-function variants are known to be pathogenic. Please note: this variant was assessed in the context of healthy population screening.

NM_001875.5(CPS1):c.1453del (p.Leu485fs)

Gene: CPS1 (carbamoyl-phosphate synthase 1; plus strand). Cytogenetic location: 2q34.
Variant type: Deletion.
Coding change: c.1453del on transcript NM_001875.5 (MANE Select); coding-DNA position 1453, one base deleted (C; older notation c.1453delC).
Protein change: p.Leu485fs; shifts the reading frame from leucine 485.
Molecular consequence: frameshift variant. On other transcripts: non-coding transcript variant (2).
Genome position (GRCh38, 1-based): chr2:210,599,465, C deleted. VCF-style (leftmost placement, unchanged base first): chr2-210599464-TC-T. GRCh37 (hg19) VCF-style: chr2-211464188-TC-T.
Other names: c.1453del, p.Leu485fs (NM_001122633.3, NM_001369257.1); c.1486del, p.Leu496fs (NM_001369256.1); short protein forms L485fs, L496fs.
Identifiers: ClinVar variation 1724608 (VCV001724608.2), dbSNP rs2469147177, ClinGen allele CA2580065542.
Genomic context (GRCh38, chr2:210,599,464, plus strand): 5'-AAACATTGCATCAGTCCAGACCAATGAGGTGGGCTTAAAGCAAGCGGATACTGTCTACTT[TC>T]TTCCCATCACCCCTCAGTTTGTCACAGAGGTCATCAAGGCAGAACAGCCAGATGGGTTAA-3'